The following is an entry in ClinVar:

NM_001723.7(DST):c.3466C>T (p.Arg1156Ter)

Gene: DST (dystonin; minus strand). Cytogenetic location: 6p12.1.
Variant type: single nucleotide variant.
Coding change: c.3466C>T on transcript NM_001723.7 (MANE Plus Clinical); coding-DNA position 3466, C replaced by T.
Protein change: p.Arg1156Ter; replaces arginine 1156 with a stop codon.
Molecular consequence: nonsense. On other transcripts: intron variant (10).
Genome position (GRCh38, 1-based): chr6:56,620,568, G>A on the plus strand (C>T on the coding strand, the complement: DST is on the minus strand). VCF-style: chr6-56620568-G-A. GRCh37 (hg19) VCF-style: chr6-56485366-G-A.
Other names: c.4830+3962C>T (NM_001144769.5); c.4929+3962C>T (NM_001374722.1, NM_001374736.1); c.4956+3962C>T (NM_001374734.1); c.4416+3962C>T (NM_001144770.2); c.4296+3962C>T (NM_001374730.1, NM_001386100.1, NM_183380.4 and 1 more transcripts); c.3318+3962C>T (NM_015548.5); short protein forms R1156*.
Identifiers: ClinVar variation 582018 (VCV000582018.6), dbSNP rs577972555, ClinGen allele CA3870709.

ClinVar aggregate classification (germline): Pathogenic (1 of 4 stars; one submission).

Conditions:
Epidermolysis bullosa simplex 3, localized or generalized intermediate, with BP230 deficiency (EBS3). Also called: Epidermolysis bullosa simplex due to BP230 deficiency; Epidermolysis bullosa simplex, autosomal recessive 2. Identifiers: Orphanet 412181, MedGen C3809470, MONDO:0014180, OMIM 615425.
Hereditary sensory and autonomic neuropathy type 6. Also called: HSAN VI; Neuropathy, hereditary sensory and autonomic, type VI. Identifiers: Orphanet 314381, MedGen C3539003, MONDO:0013839, OMIM 614653.

Allele frequency attached by ClinVar (database versions not stated): TOPMed 0.00002; gnomAD 0.00006.
gnomAD v4.1: 46 of 1,613,654 alleles (0.0029%); highest among the groups gnomAD compares: Admixed American, 0.0067%; no homozygotes.

Submission:

Labcorp Genetics (formerly Invitae), Labcorp
Classification: Pathogenic for Epidermolysis bullosa simplex 3, localized or generalized intermediate, with BP230 deficiency; Hereditary sensory and autonomic neuropathy type 6. Last evaluated: 2024-12-12. Review status: criteria provided, single submitter. Criteria: Invitae Variant Classification Sherloc (09022015). Collection method: clinical testing. Allele origin: germline.
Comment: This sequence change creates a premature translational stop signal (p.Arg1156*) in the DST gene. It is expected to result in an absent or disrupted protein product. Loss-of-function variants in DST are known to be pathogenic (PMID: 22522446, 25059916, 30371979). This variant is present in population databases (rs577972555, gnomAD 0.01%). This variant has not been reported in the literature in individuals affected with DST-related conditions. ClinVar contains an entry for this variant (Variation ID: 582018). For these reasons, this variant has been classified as Pathogenic.

Literature cited by the submitters: PubMed 22522446; PubMed 25059916; PubMed 30371979.